The following is an entry in ClinVar:

NM_004991.4(MECOM):c.2365A>T (p.Thr789Ser)

Gene: MECOM (MDS1 and EVI1 complex locus; minus strand). Cytogenetic location: 3q26.2.
Variant type: single nucleotide variant.
Coding change: c.2365A>T on transcript NM_004991.4 (MANE Select); coding-DNA position 2365, A replaced by T.
Protein change: p.Thr789Ser; replaces threonine 789 with serine.
Molecular consequence: missense variant.
Genome position (GRCh38, 1-based): chr3:169,115,507, T>A on the plus strand (A>T on the coding strand, the complement: MECOM is on the minus strand). VCF-style: chr3-169115507-T-A. GRCh37 (hg19) VCF-style: chr3-168833295-T-A.
Other names: c.1996A>T, p.Thr666Ser (NM_001105077.4); c.1801A>T, p.Thr601Ser (NM_001105078.4, NM_001164000.2, NM_001205194.2 and 4 more transcripts); c.1804A>T, p.Thr602Ser (NM_001163999.2, NM_001366467.2, NM_001366468.2 and 1 more transcripts); c.2365A>T, p.Thr789Ser (NM_001366466.2); c.1393A>T, p.Thr465Ser (NM_001366473.2); c.829A>T, p.Thr277Ser (NM_001366474.2); short protein forms T465S, T601S, T602S, T277S, T666S, T789S.
Identifiers: ClinVar variation 3871795 (VCV003871795.1).

ClinVar aggregate classification (germline): Uncertain significance (1 of 4 stars; one submission).

Conditions:
Inborn genetic diseases. Identifiers: MedGen C0950123, MeSH D030342.

Submission:

Ambry Genetics
Classification: Uncertain significance for Inborn genetic diseases. Last evaluated: 2025-02-04. Review status: criteria provided, single submitter. Criteria: Ambry Variant Classification Scheme 2023. Collection method: clinical testing. Allele origin: germline.
Comment: The p.T789S variant (also known as c.2365A>T), located in coding exon 8 of the MECOM gene, results from an A to T substitution at nucleotide position 2365. The threonine at codon 789 is replaced by serine, an amino acid with similar properties. This amino acid position is conserved. In addition, this alteration is predicted to be tolerated by in silico analysis. Based on the available evidence, the clinical significance of this variant remains unclear.